The following is an entry in ClinVar:

ClinVar aggregate classification (germline): Conflicting classifications of pathogenicity. Review status: criteria provided, conflicting classifications (1 of 4 stars). 2 submissions from 2 submitters: Uncertain significance (1); Likely benign (1). Last evaluated 2025-06-12.

Allele frequency attached by ClinVar (database versions not stated): ExAC 0.00005; TOPMed 0.00025; gnomAD 0.00019; 1000 Genomes Project 0.00040; 1000 Genomes Project 30x 0.00047.
gnomAD v4.1: 53 of 1,613,150 alleles (0.0033%); highest among the groups gnomAD compares: African/African-American, 0.067%; no homozygotes.

Submissions (2):

Labcorp Genetics (formerly Invitae), Labcorp
Classification: Likely benign. Last evaluated: 2025-06-12. Review status: criteria provided, single submitter. Criteria: Invitae Variant Classification Sherloc (09022015). Collection method: clinical testing. Allele origin: germline.

GeneDx
Classification: Uncertain significance. Last evaluated: 2022-04-28. Review status: criteria provided, single submitter. Criteria: GeneDx Variant Classification Process June 2021. Collection method: clinical testing. Allele origin: germline. Affected: yes.
Comment: In silico analysis supports that this missense variant has a deleterious effect on protein structure/function; Has not been previously published as pathogenic or benign to our knowledge

NM_000213.5(ITGB4):c.3265G>C (p.Gly1089Arg)

Gene: ITGB4 (integrin subunit beta 4; plus strand). Cytogenetic location: 17q25.1.
Variant type: single nucleotide variant.
Coding change: c.3265G>C on transcript NM_000213.5 (MANE Select); coding-DNA position 3265, G replaced by C.
Protein change: p.Gly1089Arg; replaces glycine 1089 with arginine.
Molecular consequence: missense variant.
Genome position (GRCh38, 1-based): chr17:75,748,994, G>C. VCF-style: chr17-75748994-G-C. GRCh37 (hg19) VCF-style: chr17-73745075-G-C.
Other names: c.3265G>C, p.Gly1089Arg (NM_001005619.2, NM_001005731.3, NM_001321123.2); short protein forms G1089R.
Identifiers: ClinVar variation 1712777 (VCV001712777.5), dbSNP rs552482009, ClinGen allele CA8769752.